The following is an entry in ClinVar:

NM_001170629.2(CHD8):c.1550A>C (p.Lys517Thr)

Gene: CHD8 (chromodomain helicase DNA binding protein 8; minus strand). Cytogenetic location: 14q11.2.
Variant type: single nucleotide variant.
Coding change: c.1550A>C on transcript NM_001170629.2 (MANE Select); coding-DNA position 1550, A replaced by C.
Protein change: p.Lys517Thr; replaces lysine 517 with threonine.
Molecular consequence: missense variant.
Genome position (GRCh38, 1-based): chr14:21,427,920, T>G on the plus strand (A>C on the coding strand, the complement: CHD8 is on the minus strand). VCF-style: chr14-21427920-T-G. GRCh37 (hg19) VCF-style: chr14-21896079-T-G.
Other names: c.713A>C, p.Lys238Thr (NM_020920.4); short protein forms K238T, K517T.
Identifiers: ClinVar variation 1703102 (VCV001703102.3), dbSNP rs775386995, ClinGen allele CA388882657.

ClinVar aggregate classification (germline): Uncertain significance (1 of 4 stars; one submission).

Submission:

Greenwood Genetic Center Diagnostic Laboratories, Greenwood Genetic Center
Classification: Uncertain significance. Last evaluated: 2022-06-13. Review status: criteria provided, single submitter. Criteria: ACMG Guidelines, 2015. Collection method: clinical testing. Allele origin: germline. Affected: yes.
Comment: PM2, PP2